The following is an entry in ClinVar:

NM_001197104.2(KMT2A):c.6726_6727del (p.Ala2243fs)

Gene: KMT2A (lysine methyltransferase 2A; plus strand). Cytogenetic location: 11q23.3.
Variant type: Deletion.
Coding change: c.6726_6727del on transcript NM_001197104.2 (MANE Select); coding-DNA positions 6726 to 6727, 2 bases deleted (TG; older notation c.6726_6727delTG).
Protein change: p.Ala2243fs; shifts the reading frame from alanine 2243.
Molecular consequence: frameshift variant.
Genome position (GRCh38, 1-based): chr11:118,502,618-118,502,619, TG deleted; deleting any 2 consecutive bases within chr11:118,502,617-118,502,619 gives the same sequence; the c. name uses the placement nearest the transcript's 3' end. VCF-style (leftmost placement, unchanged base first): chr11-118502616-AGT-A. GRCh37 (hg19) VCF-style: chr11-118373331-AGT-A.
Other names: c.6816_6817del, p.Ala2273fs (NM_001412597.1); c.6717_6718del, p.Ala2240fs (NM_005933.4); short protein forms A2240fs, A2243fs, A2273fs.
Identifiers: ClinVar variation 4854453 (VCV004854453.1).
Genomic context (GRCh38, chr11:118,502,616, plus strand): 5'-TACTCTAGGAATAATGTTTCCTCAGTCTCCACCACCGGGACCGCTACTGATCTTGAATCA[AGT>A]GCCAAAGTAGTTGATCATGTCTTAGGGCCACTGAATTCAAGTACTAGTTTAGGGCAAAAC-3'

ClinVar aggregate classification (germline): Likely pathogenic (1 of 4 stars; one submission).

Conditions:
Wiedemann-Steiner syndrome (WDSTS). Also called: Growth deficiency and mental retardation with facial dysmorphism. Identifiers: Orphanet 319182, MedGen C1854630, MONDO:0011518, OMIM 605130.

Submission:

3billion
Classification: Likely pathogenic for Wiedemann-Steiner syndrome. Last evaluated: 2025-11-27. Review status: criteria provided, single submitter. Criteria: ACMG Guidelines, 2015. Collection method: clinical testing. Allele origin: germline. Affected: yes.
Comment: The variant is not observed in the gnomAD v4.1.0 dataset. Predicted Consequence/Location: Frameshift: predicted to result in a loss or disruption of normal protein function through nonsense-mediated decay (NMD) or protein truncation. Multiple pathogenic variants are reported downstream of the variant. Therefore, this variant is classified as Likely pathogenic according to the recommendation of ACMG/AMP guideline.